The following is an entry in ClinVar:

ClinVar aggregate classification (germline): Likely benign (1 of 4 stars; one submission).

Allele frequency attached by ClinVar (database versions not stated): gnomAD 0.00001; gnomAD exomes 0.00003; ExAC 0.00005; ESP Exome Variant Server 0.00008.
gnomAD v4.1: 40 of 1,565,732 alleles (0.0026%); highest among the groups gnomAD compares: Non-Finnish European, 0.0032%; no homozygotes.

Submission:

CeGaT Center for Human Genetics Tuebingen
Classification: Likely benign. Last evaluated: 2023-03-01. Review status: criteria provided, single submitter. Criteria: CeGaT Center For Human Genetics Tuebingen Variant Classification Criteria Version 2. Collection method: clinical testing. Allele origin: germline. Affected: yes. Observed: 1 variant allele.
Comment: SMPD4: BP4, BP7

NM_017951.5(SMPD4):c.1056C>T (p.Ser352=)

Gene: SMPD4 (sphingomyelin phosphodiesterase 4; minus strand). Cytogenetic location: 2q21.1.
Variant type: single nucleotide variant.
Coding change: c.1056C>T on transcript NM_017951.5 (MANE Select); coding-DNA position 1056, C replaced by T.
Protein change: p.Ser352=; no amino-acid change (serine 352 retained).
Molecular consequence: synonymous variant. On other transcripts: non-coding transcript variant (2).
Genome position (GRCh38, 1-based): chr2:130,157,292, G>A on the plus strand (C>T on the coding strand, the complement: SMPD4 is on the minus strand). VCF-style: chr2-130157292-G-A. GRCh37 (hg19) VCF-style: chr2-130914865-G-A.
Other names: c.867C>T, p.Ser289= (NM_001171083.2); c.1086C>T, p.Ser362= (NM_017751.4).
Identifiers: ClinVar variation 2651360 (VCV002651360.24), dbSNP rs367891171, ClinGen allele CA1869957.